The following is an entry in ClinVar:

NM_003361.4(UMOD):c.916T>G (p.Cys306Gly)

Gene: UMOD (uromodulin; minus strand). Cytogenetic location: 16p12.3.
Variant type: single nucleotide variant.
Coding change: c.916T>G on transcript NM_003361.4 (MANE Select); coding-DNA position 916, T replaced by G.
Protein change: p.Cys306Gly; replaces cysteine 306 with glycine.
Molecular consequence: missense variant. On other transcripts: non-coding transcript variant (1).
Genome position (GRCh38, 1-based): chr16:20,348,280, A>C on the plus strand (T>G on the coding strand, the complement: UMOD is on the minus strand). VCF-style: chr16-20348280-A-C. GRCh37 (hg19) VCF-style: chr16-20359602-A-C.
Other names: c.916T>G, p.Cys306Gly (NM_001378235.1, NM_001378237.1, NM_001008389.3 and 3 more transcripts); c.1015T>G, p.Cys339Gly (NM_001278614.2); short protein forms C306G, C339G.
Identifiers: ClinVar variation 3894557 (VCV003894557.1).

ClinVar aggregate classification (germline): Likely pathogenic (1 of 4 stars; one submission).

Conditions:
Familial juvenile hyperuricemic nephropathy type 1 (ADTKD1). Also called: UMOD-Associated Kidney Disease; Uromodulin-associated kidney disease; Autosomal Dominant Tubulointerstitial Kidney Disease – UMOD; Glomerulocystic kidney disease with hyperuricemia and isosthenuria; Medullary cystic kidney disease 2. Identifiers: Orphanet 209886, Orphanet 34149, Orphanet 88950, MedGen C4551496, MONDO:0008073, OMIM 162000.

Submission:

MVZ Medizinische Genetik Mainz
Classification: Likely pathogenic for Familial juvenile hyperuricemic nephropathy type 1. Last evaluated: 2025-04-04. Review status: criteria provided, single submitter. Criteria: UK Practice Guidelines For Variant Classification V4 01 2020. Collection method: clinical testing. Allele origin: germline. Inheritance: Autosomal dominant inheritance. Affected: yes. Observed: 1 variant allele.
Comment: ACMG Criteria: PM1,PM5,PP3_MOD,PM2_SUP,PP4